The following is an entry in ClinVar:

ClinVar aggregate classification (germline): Uncertain significance (1 of 4 stars; one submission).

Conditions:
Dyskeratosis congenita. Identifiers: Orphanet 1775, MedGen C0265965, MONDO:0015780.

Allele frequency attached by ClinVar (database versions not stated): gnomAD exomes below 0.00001; TOPMed below 0.00001; ExAC 0.00001.
gnomAD v4.1: 3 of 1,614,204 alleles (0.00019%); highest among the groups gnomAD compares: South Asian, 0.0033%; no homozygotes.

Submission:

Labcorp Genetics (formerly Invitae), Labcorp
Classification: Uncertain significance for Dyskeratosis congenita. Last evaluated: 2022-03-31. Review status: criteria provided, single submitter. Criteria: Invitae Variant Classification Sherloc (09022015). Collection method: clinical testing. Allele origin: germline.
Comment: This sequence change replaces serine, which is neutral and polar, with phenylalanine, which is neutral and non-polar, at codon 186 of the TINF2 protein (p.Ser186Phe). In summary, the available evidence is currently insufficient to determine the role of this variant in disease. Therefore, it has been classified as a Variant of Uncertain Significance. Algorithms developed to predict the effect of missense changes on protein structure and function are either unavailable or do not agree on the potential impact of this missense change (SIFT: "Deleterious"; PolyPhen-2: "Possibly Damaging"; Align-GVGD: "Class C0"). This variant has not been reported in the literature in individuals affected with TINF2-related conditions. This variant is present in population databases (rs774403117, gnomAD 0.003%).

NM_001099274.3(TINF2):c.557C>T (p.Ser186Phe)

Gene: TINF2 (TERF1 interacting nuclear factor 2; minus strand). Cytogenetic location: 14q12.
Variant type: single nucleotide variant.
Coding change: c.557C>T on transcript NM_001099274.3 (MANE Select); coding-DNA position 557, C replaced by T.
Protein change: p.Ser186Phe; replaces serine 186 with phenylalanine.
Molecular consequence: missense variant.
Genome position (GRCh38, 1-based): chr14:24,241,067, G>A on the plus strand (C>T on the coding strand, the complement: TINF2 is on the minus strand). VCF-style: chr14-24241067-G-A. GRCh37 (hg19) VCF-style: chr14-24710273-G-A.
Other names: c.452C>T, p.Ser151Phe (NM_001363668.2); c.557C>T, p.Ser186Phe (NM_012461.3); short protein forms S151F, S186F.
Identifiers: ClinVar variation 1953066 (VCV001953066.5), dbSNP rs774403117, ClinGen allele CA7130618.